The following is an entry in ClinVar:

ClinVar aggregate classification (germline): Likely pathogenic (1 of 4 stars; one submission).

Submission:

Mayo Clinic Laboratories, Mayo Clinic
Classification: Likely pathogenic. Last evaluated: 2021-03-02. Review status: criteria provided, single submitter. Criteria: ACMG Guidelines, 2015. Collection method: clinical testing. Allele origin: germline. Observed: 1 variant allele.
Comment: PM1, PM5, PM2

Literature cited by the submitters: PubMed 27905547; PubMed 14583443; PubMed 16601698; PubMed 19351878; PubMed 27006390; PubMed 26728463.

NM_000186.4(CFH):c.3593A>G (p.Glu1198Gly)

Gene: CFH (complement factor H; plus strand). Cytogenetic location: 1q31.3.
Variant type: single nucleotide variant.
Coding change: c.3593A>G on transcript NM_000186.4 (MANE Select); coding-DNA position 3593, A replaced by G.
Protein change: p.Glu1198Gly; replaces glutamic acid 1198 with glycine.
Molecular consequence: missense variant.
Genome position (GRCh38, 1-based): chr1:196,747,210, A>G. VCF-style: chr1-196747210-A-G. GRCh37 (hg19) VCF-style: chr1-196716340-A-G.
Other names: short protein forms E1198G.
Identifiers: ClinVar variation 1163685 (VCV001163685.5), dbSNP rs2149118730, ClinGen allele CA343987919.